The following is an entry in ClinVar:

NM_152296.5(ATP1A3):c.2761T>C (p.Trp921Arg)

Gene: ATP1A3 (ATPase Na+/K+ transporting subunit alpha 3; minus strand). Cytogenetic location: 19q13.2.
Variant type: single nucleotide variant.
Coding change: c.2761T>C on transcript NM_152296.5 (MANE Select); coding-DNA position 2761, T replaced by C.
Protein change: p.Trp921Arg; replaces tryptophan 921 with arginine.
Molecular consequence: missense variant.
Genome position (GRCh38, 1-based): chr19:41,968,843, A>G on the plus strand (T>C on the coding strand, the complement: ATP1A3 is on the minus strand). VCF-style: chr19-41968843-A-G. GRCh37 (hg19) VCF-style: chr19-42472995-A-G.
Other names: c.2794T>C, p.Trp932Arg (NM_001256213.2); c.2800T>C, p.Trp934Arg (NM_001256214.2); short protein forms W921R, W932R, W934R.
Identifiers: ClinVar variation 4292456 (VCV004292456.1).

ClinVar aggregate classification (germline): Likely pathogenic (1 of 4 stars; one submission).

Conditions:
ATP1A3-related disorder. Also called: ATP1A3-related condition; ATP1A3-related disorders. Identifiers: MedGen CN381097.

Submission:

3billion
Classification: Likely pathogenic for ATP1A3-related disorder. Last evaluated: 2024-11-15. Review status: criteria provided, single submitter. Criteria: ACMG Guidelines, 2015. Collection method: clinical testing. Allele origin: germline. Affected: yes.
Comment: The variant is not observed in the gnomAD v4.1.0 dataset. Predicted Consequence/Location: Missense variant. Missense changes are a common disease-causing mechanism. In silico tool predictions suggest damaging effect of the variant on gene or gene product [REVEL: 0.92 (>=0.6, sensitivity 0.68 and specificity 0.92); 3Cnet: 0.99 (>=0.6, sensitivity 0.72 and precision 0.9)]. Therefore, this variant is classified as Likely pathogenic according to the recommendation of ACMG/AMP guideline.